The following is an entry in ClinVar:

NM_002907.4(RECQL):c.1448C>A (p.Ala483Glu)

Gene: RECQL (RecQ like helicase; minus strand). Cytogenetic location: 12p12.1.
Variant type: single nucleotide variant.
Coding change: c.1448C>A on transcript NM_002907.4 (MANE Select); coding-DNA position 1448, C replaced by A.
Protein change: p.Ala483Glu; replaces alanine 483 with glutamic acid.
Molecular consequence: missense variant.
Genome position (GRCh38, 1-based): chr12:21,471,647, G>T on the plus strand (C>A on the coding strand, the complement: RECQL is on the minus strand). VCF-style: chr12-21471647-G-T. GRCh37 (hg19) VCF-style: chr12-21624581-G-T.
Other names: c.1448C>A, p.Ala483Glu (NM_032941.3); short protein forms A483E.
Identifiers: ClinVar variation 1002453 (VCV001002453.16), dbSNP rs779099686, ClinGen allele CA6478738.

ClinVar aggregate classification (germline): Conflicting classifications of pathogenicity. Review status: criteria provided, conflicting classifications (1 of 4 stars). 4 submissions from 4 submitters: Uncertain significance (3); Likely benign (1). Last evaluated 2024-10-27.

Allele frequency attached by ClinVar (database versions not stated): gnomAD 0.00003; TOPMed 0.00003; gnomAD exomes 0.00004; ExAC 0.00005.
gnomAD v4.1: 67 of 1,608,892 alleles (0.0042%); highest among the groups gnomAD compares: Non-Finnish European, 0.0055%; no homozygotes.

Submissions (4):

Quest Diagnostics Nichols Institute San Juan Capistrano
Classification: Uncertain significance. Last evaluated: 2024-10-27. Review status: criteria provided, single submitter. Criteria: Quest Diagnostics criteria. Collection method: clinical testing. Allele origin: unknown.
Comment: The RECQL c.1448C>A (p.Ala483Glu) variant has not been reported in individuals with RECQL-related conditions in the published literature. The frequency of this variant in the general population, 0.00008 (9/112736 chromosomes (Genome Aggregation Database)), is uninformative in the assessment of its pathogenicity. Analysis of this variant using bioinformatics tools for the prediction of the effect of amino acid changes on protein structure and function yielded predictions that this variant is benign. Based on the available information, we are unable to determine the clinical significance of this variant.

GeneDx
Classification: Uncertain significance. Last evaluated: 2023-12-01. Review status: criteria provided, single submitter. Criteria: GeneDx Variant Classification Process June 2021. Collection method: clinical testing. Allele origin: germline. Affected: yes.
Comment: In silico analysis supports that this missense variant does not alter protein structure/function; Has not been previously published as pathogenic or benign to our knowledge; Variants in candidate genes are classified as variants of uncertain significance in accordance with ACMG guidelines (PMID: 25741868); This variant is associated with the following publications: (PMID: 27248010, 19151156)

Labcorp Genetics (formerly Invitae), Labcorp
Classification: Uncertain significance. Last evaluated: 2022-09-06. Review status: criteria provided, single submitter. Criteria: Invitae Variant Classification Sherloc (09022015). Collection method: clinical testing. Allele origin: germline.
Comment: Algorithms developed to predict the effect of missense changes on protein structure and function (SIFT, PolyPhen-2, Align-GVGD) all suggest that this variant is likely to be tolerated. ClinVar contains an entry for this variant (Variation ID: 1002453). This variant has not been reported in the literature in individuals affected with RECQL-related conditions. This variant is present in population databases (rs779099686, gnomAD 0.008%). This sequence change replaces alanine, which is neutral and non-polar, with glutamic acid, which is acidic and polar, at codon 483 of the RECQL protein (p.Ala483Glu). In summary, the available evidence is currently insufficient to determine the role of this variant in disease. Therefore, it has been classified as a Variant of Uncertain Significance.

Ambry Genetics
Classification: Likely benign. Last evaluated: 2020-09-15. Review status: criteria provided, single submitter. Criteria: Ambry Variant Classification Scheme 2023. Collection method: clinical testing. Allele origin: germline.